The following is an entry in ClinVar:

NM_004958.4(MTOR):c.5110A>C (p.Met1704Leu)

Gene: MTOR (mechanistic target of rapamycin kinase; minus strand). Cytogenetic location: 1p36.22.
Variant type: single nucleotide variant.
Coding change: c.5110A>C on transcript NM_004958.4 (MANE Select); coding-DNA position 5110, A replaced by C.
Protein change: p.Met1704Leu; replaces methionine 1704 with leucine.
Molecular consequence: missense variant.
Genome position (GRCh38, 1-based): chr1:11,139,324, T>G on the plus strand (A>C on the coding strand, the complement: MTOR is on the minus strand). VCF-style: chr1-11139324-T-G. GRCh37 (hg19) VCF-style: chr1-11199381-T-G.
Other names: c.5110A>C, p.Met1704Leu (NM_001386500.1); c.3862A>C, p.Met1288Leu (NM_001386501.1); short protein forms M1288L, M1704L.
Identifiers: ClinVar variation 3367997 (VCV003367997.2).
Genomic context (GRCh38, chr1:11,139,324, plus strand): 5'-TGGAGAAGGTGGTCTGTTCTGGATGCATTGGGATACAGACCTTGCGGGCACTCTTCCACA[T>G]GTTTTTCATGTAGGCATAGGTCACCTGAGGGTGAACTGTTGGCAGAGGATGGTCAAGTTG-3'
Protein context (NP_004949.1, residues 1694-1714): PQVTYAYMKN[Met1704Leu]WKSARKIDAF

ClinVar aggregate classification (germline): Uncertain significance (1 of 4 stars; one submission).

Submission:

GeneDx
Classification: Uncertain significance. Last evaluated: 2024-12-19. Review status: criteria provided, single submitter. Criteria: GeneDx Variant Classification Process June 2021. Collection method: clinical testing. Allele origin: germline.
Comment: Not observed at significant frequency in large population cohorts (gnomAD); In silico analysis indicates that this missense variant does not alter protein structure/function; Has not been previously published as pathogenic or benign to our knowledge